The following is an entry in ClinVar:

NM_002691.4(POLD1):c.733G>A (p.Glu245Lys)

Gene: POLD1 (DNA polymerase delta 1, catalytic subunit; plus strand). Cytogenetic location: 19q13.33.
Variant type: single nucleotide variant.
Coding change: c.733G>A on transcript NM_002691.4 (MANE Select); coding-DNA position 733, G replaced by A.
Protein change: p.Glu245Lys; replaces glutamic acid 245 with lysine.
Molecular consequence: missense variant. On other transcripts: non-coding transcript variant (1).
Genome position (GRCh38, 1-based): chr19:50,402,348, G>A. VCF-style: chr19-50402348-G-A. GRCh37 (hg19) VCF-style: chr19-50905605-G-A.
Other names: c.733G>A, p.Glu245Lys (NM_001256849.1, NM_001308632.1); c.733G>A (NM_002691.2); short protein forms E245K.
Identifiers: ClinVar variation 239366 (VCV000239366.9), dbSNP rs878854556, ClinGen allele CA10583818.

ClinVar aggregate classification (germline): Uncertain significance. Review status: criteria provided, multiple submitters, no conflicts (2 of 4 stars). 2 submissions from 2 submitters: Uncertain significance (2). Last evaluated 2026-01-06.

Conditions:
POLD1-related polyposis and colorectal cancer syndrome (CRCS10). Also called: COLORECTAL CANCER, SUSCEPTIBILITY TO, ON CHROMOSOME 19q; Colorectal cancer 10; Colorectal cancer, susceptibility to, 10. Identifiers: Orphanet 220460, MedGen C2675481, MONDO:0012953, OMIM 612591.
Hereditary cancer-predisposing syndrome. Also called: Hereditary Cancer Syndrome; Neoplastic Syndromes, Hereditary; Hereditary neoplastic syndrome; Tumor predisposition. Identifiers: Orphanet 140162, MedGen C0027672, MeSH D009386, MONDO:0015356.

Allele frequency attached by ClinVar (database versions not stated): gnomAD exomes below 0.00001; TOPMed below 0.00001.
gnomAD v4.1: 5 of 1,611,228 alleles (0.00031%); highest among the groups gnomAD compares: Non-Finnish European, 0.00042%; no homozygotes.

Submissions (2):

Ambry Genetics
Classification: Uncertain significance for Hereditary cancer-predisposing syndrome. Last evaluated: 2026-01-06. Review status: criteria provided, single submitter. Criteria: Ambry Variant Classification Scheme 2023. Collection method: clinical testing. Allele origin: germline.
Comment: The p.E245K variant (also known as c.733G>A), located in coding exon 5 of the POLD1 gene, results from a G to A substitution at nucleotide position 733. The glutamic acid at codon 245 is replaced by lysine, an amino acid with similar properties. This amino acid position is highly conserved in available vertebrate species. In addition, the in silico prediction for this alteration is inconclusive. Based on the available evidence, the clinical significance of this variant remains unclear.

Labcorp Genetics (formerly Invitae), Labcorp
Classification: Uncertain significance for POLD1-related polyposis and colorectal cancer syndrome. Last evaluated: 2025-11-10. Review status: criteria provided, single submitter. Criteria: Invitae Variant Classification Sherloc (09022015). Collection method: clinical testing. Allele origin: germline.
Comment: This sequence change replaces glutamic acid, which is acidic and polar, with lysine, which is basic and polar, at codon 245 of the POLD1 protein (p.Glu245Lys). This variant is not present in population databases (gnomAD no frequency). This variant has not been reported in the literature in individuals affected with POLD1-related conditions. ClinVar contains an entry for this variant (Variation ID: 239366). An algorithm developed to predict the effect of missense changes on protein structure and function (PolyPhen-2) suggests that this variant is likely to be disruptive. In summary, the available evidence is currently insufficient to determine the role of this variant in disease. Therefore, it has been classified as a Variant of Uncertain Significance.